The following is an entry in ClinVar:

ClinVar aggregate classification (germline): Uncertain significance (1 of 4 stars; one submission).

Conditions:
Hereditary cancer-predisposing syndrome. Also called: Neoplastic Syndromes, Hereditary; Tumor predisposition; Hereditary Cancer Syndrome; Hereditary neoplastic syndrome. Identifiers: Orphanet 140162, MedGen C0027672, MeSH D009386, MONDO:0015356.

Submission:

Ambry Genetics
Classification: Uncertain significance for Hereditary cancer-predisposing syndrome. Last evaluated: 2022-03-01. Review status: criteria provided, single submitter. Criteria: Ambry Variant Classification Scheme 2023. Collection method: clinical testing. Allele origin: germline.
Comment: The p.T528A variant (also known as c.1582A>G), located in coding exon 6 of the BLM gene, results from an A to G substitution at nucleotide position 1582. The threonine at codon 528 is replaced by alanine, an amino acid with similar properties. This amino acid position is conserved. In addition, this alteration is predicted to be tolerated by in silico analysis. Since supporting evidence is limited at this time, the clinical significance of this alteration remains unclear.

NM_000057.4(BLM):c.1582A>G (p.Thr528Ala)

Gene: BLM (BLM RecQ like helicase; plus strand). Cytogenetic location: 15q26.1.
Variant type: single nucleotide variant.
Coding change: c.1582A>G on transcript NM_000057.4 (MANE Select); coding-DNA position 1582, A replaced by G.
Protein change: p.Thr528Ala; replaces threonine 528 with alanine.
Molecular consequence: missense variant.
Genome position (GRCh38, 1-based): chr15:90,760,955, A>G. VCF-style: chr15-90760955-A-G. GRCh37 (hg19) VCF-style: chr15-91304185-A-G.
Other names: c.1582A>G, p.Thr528Ala (NM_001287246.2, NM_001287247.2); c.457A>G, p.Thr153Ala (NM_001287248.2); short protein forms T153A, T528A.
Identifiers: ClinVar variation 1775733 (VCV001775733.2), dbSNP rs2505427228, ClinGen allele CA393843376.
Genomic context (GRCh38, chr15:90,760,955, plus strand): 5'-ACACCAAGACTAGGAAAAAAAAATGAAAGCTCTTATTTCCCAGGAAATGTTCTCACAAGC[A>G]CTGCTGTGAAAGATCAGAATAAACATACTGCTTCAATAAATGACTTAGAAAGAGAAACCC-3'
Protein context (NP_000048.1, residues 518-538): SYFPGNVLTS[Thr528Ala]AVKDQNKHTA